The following is an entry in ClinVar:

NM_001182.5(ALDH7A1):c.1416-11T>C

Gene: ALDH7A1 (aldehyde dehydrogenase 7 family member A1; minus strand). Cytogenetic location: 5q23.2.
Variant type: single nucleotide variant.
Coding change: c.1416-11T>C on transcript NM_001182.5 (MANE Select); 11 bases into the intron before coding-DNA position 1416, T replaced by C.
Molecular consequence: intron variant.
Genome position (GRCh38, 1-based): chr5:126,550,013, A>G on the plus strand (T>C on the coding strand, the complement: ALDH7A1 is on the minus strand). VCF-style: chr5-126550013-A-G. GRCh37 (hg19) VCF-style: chr5-125885705-A-G.
Other names: c.1224-11T>C (NM_001202404.2); c.1332-11T>C (NM_001201377.2).
Identifiers: ClinVar variation 507040 (VCV000507040.9), dbSNP rs577675361, ClinGen allele CA3389410.

ClinVar aggregate classification (germline): Likely benign. Review status: criteria provided, multiple submitters, no conflicts (2 of 4 stars). 3 submissions from 3 submitters: Likely benign (3). Last evaluated 2026-01-12.

Conditions:
Pyridoxine-dependent epilepsy (EPEO4). Also called: Pyridoxine-Dependent Seizures; PYRIDOXINE DEPENDENCY WITH SEIZURES; EPILEPSY, EARLY-ONSET, 4, VITAMIN B6-DEPENDENT; Pyridoxine-Dependent Epilepsy - ALDH7A1. Identifiers: Orphanet 3006, MedGen C1849508, MONDO:0009945, OMIM 266100. Disease mechanism: loss of function.

Allele frequency attached by ClinVar (database versions not stated): 1000 Genomes Project 0.00020; TOPMed 0.00007; ExAC 0.00001; gnomAD 0.00015 and 0.00014; 1000 Genomes Project 30x 0.00031; gnomAD exomes 0.00001 and 0.00002.
gnomAD v4.1: 33 of 1,613,370 alleles (0.002%); highest among the groups gnomAD compares: African/African-American, 0.041%; no homozygotes.

Submissions (3):

Labcorp Genetics (formerly Invitae), Labcorp
Classification: Likely benign for Pyridoxine-dependent epilepsy. Last evaluated: 2026-01-12. Review status: criteria provided, single submitter. Criteria: Invitae Variant Classification Sherloc (09022015). Collection method: clinical testing. Allele origin: germline.

Genome-Nilou Lab
Classification: Likely benign for Pyridoxine-dependent epilepsy. Last evaluated: 2023-04-11. Review status: criteria provided, single submitter. Criteria: ACMG Guidelines, 2015. Collection method: clinical testing. Allele origin: germline. Affected: no.

GeneDx
Classification: Likely benign. Last evaluated: 2017-01-27. Review status: criteria provided, single submitter. Criteria: GeneDx Variant Classification (06012015). Collection method: clinical testing. Allele origin: germline. Affected: yes.
Comment: This variant is considered likely benign or benign based on one or more of the following criteria: it is a conservative change, it occurs at a poorly conserved position in the protein, it is predicted to be benign by multiple in silico algorithms, and/or has population frequency not consistent with disease.